The following is an entry in ClinVar:

NM_000218.3(KCNQ1):c.598A>G (p.Ile200Val)

Gene: KCNQ1 (potassium voltage-gated channel subfamily Q member 1; plus strand). Cytogenetic location: 11p15.5.
Variant type: single nucleotide variant.
Coding change: c.598A>G on transcript NM_000218.3 (MANE Select); coding-DNA position 598, A replaced by G.
Protein change: p.Ile200Val; replaces isoleucine 200 with valine.
Molecular consequence: missense variant.
Genome position (GRCh38, 1-based): chr11:2,570,748, A>G. VCF-style: chr11-2570748-A-G. GRCh37 (hg19) VCF-style: chr11-2591978-A-G.
Other names: c.598A>G, p.Ile200Val (NM_001406836.1); c.328A>G, p.Ile110Val (NM_001406837.1); c.217A>G, p.Ile73Val (NM_181798.2); short protein forms I110V, I200V, I73V.
Identifiers: ClinVar variation 1750878 (VCV001750878.2), dbSNP rs2493668134, ClinGen allele CA379130107.

ClinVar aggregate classification (germline): Uncertain significance (1 of 4 stars; one submission).

Conditions:
Cardiovascular phenotype. Identifiers: MedGen CN230736.

gnomAD v4.1: 1 of 1,610,832 alleles (0.000062%); highest among the groups gnomAD compares: Non-Finnish European, 0.000085%; no homozygotes.

Submission:

Ambry Genetics
Classification: Uncertain significance for Cardiovascular phenotype. Last evaluated: 2019-10-24. Review status: criteria provided, single submitter. Criteria: Ambry Variant Classification Scheme 2023. Collection method: clinical testing. Allele origin: germline.
Comment: The p.I200V variant (also known as c.598A>G), located in coding exon 3 of the KCNQ1 gene, results from an A to G substitution at nucleotide position 598. The isoleucine at codon 200 is replaced by valine, an amino acid with highly similar properties. Another alteration affecting the same amino acid, p.I200N (c.599T>A), has been reported in association with long QT syndrome (LQTS) (Robyns T et al. Heart Rhythm, 2017 03;14:376-382). This amino acid position is well conserved in available vertebrate species; however, valine is the reference amino acid in other vertebrate species. In addition, the in silico prediction for this alteration is inconclusive. Since supporting evidence is limited at this time, the clinical significance of this alteration remains unclear.

Literature cited by the submitters: PubMed 28212739.